The following is an entry in ClinVar:

ClinVar aggregate classification (germline): Uncertain significance (1 of 4 stars; one submission).

Submission:

Labcorp Genetics (formerly Invitae), Labcorp
Classification: Uncertain significance. Last evaluated: 2022-03-27. Review status: criteria provided, single submitter. Criteria: Invitae Variant Classification Sherloc (09022015). Collection method: clinical testing. Allele origin: germline.
Comment: This sequence change replaces threonine, which is neutral and polar, with alanine, which is neutral and non-polar, at codon 197 of the CDHR1 protein (p.Thr197Ala). This variant is present in population databases (rs770348342, gnomAD 0.002%). This variant has not been reported in the literature in individuals affected with CDHR1-related conditions. Advanced modeling of protein sequence and biophysical properties (such as structural, functional, and spatial information, amino acid conservation, physicochemical variation, residue mobility, and thermodynamic stability) performed at Invitae indicates that this missense variant is not expected to disrupt CDHR1 protein function. In summary, the available evidence is currently insufficient to determine the role of this variant in disease. Therefore, it has been classified as a Variant of Uncertain Significance.

NM_033100.4(CDHR1):c.589A>G (p.Thr197Ala)

Gene: CDHR1 (cadherin related family member 1; plus strand). Cytogenetic location: 10q23.1.
Variant type: single nucleotide variant.
Coding change: c.589A>G on transcript NM_033100.4 (MANE Select); coding-DNA position 589, A replaced by G.
Protein change: p.Thr197Ala; replaces threonine 197 with alanine.
Molecular consequence: missense variant.
Genome position (GRCh38, 1-based): chr10:84,201,870, A>G. VCF-style: chr10-84201870-A-G. GRCh37 (hg19) VCF-style: chr10-85961626-A-G.
Other names: c.589A>G, p.Thr197Ala (NM_001171971.3); short protein forms T197A.
Identifiers: ClinVar variation 1945971 (VCV001945971.2), dbSNP rs770348342, ClinGen allele CA210380166.
Genomic context (GRCh38, chr10:84,201,870, plus strand): 5'-CTGCACTCCCCATTTGCCGTGGACCGCCACAGCGGTGTGCTGCGCCTCCAGGCTGGGGCC[A>G]CTCTGGACTACGAGAGGTCCCGGACCCACTACATCACCGTGGTCGCCAAGGTAACACAGC-3'
Protein context (NP_149091.1, residues 187-207): SGVLRLQAGA[Thr197Ala]LDYERSRTHY